The following is an entry in ClinVar:

NM_006922.4(SCN3A):c.736A>C (p.Lys246Gln)

Gene: SCN3A (sodium voltage-gated channel alpha subunit 3; minus strand). Cytogenetic location: 2q24.3.
Variant type: single nucleotide variant.
Coding change: c.736A>C on transcript NM_006922.4 (MANE Select); coding-DNA position 736, A replaced by C.
Protein change: p.Lys246Gln; replaces lysine 246 with glutamine.
Molecular consequence: missense variant.
Genome position (GRCh38, 1-based): chr2:165,162,787, T>G on the plus strand (A>C on the coding strand, the complement: SCN3A is on the minus strand). VCF-style: chr2-165162787-T-G. GRCh37 (hg19) VCF-style: chr2-166019297-T-G.
Other names: c.736A>C, p.Lys246Gln (NM_001081676.2, NM_001081677.2); short protein forms K246Q.
Identifiers: ClinVar variation 3650329 (VCV003650329.2).

ClinVar aggregate classification (germline): Uncertain significance (1 of 4 stars; one submission).

gnomAD v4.1: 1 of 1,614,080 alleles (0.000062%); highest among the groups gnomAD compares: Non-Finnish European, 0.000085%; no homozygotes.

Submission:

Labcorp Genetics (formerly Invitae), Labcorp
Classification: Uncertain significance. Last evaluated: 2024-04-18. Review status: criteria provided, single submitter. Criteria: Invitae Variant Classification Sherloc (09022015). Collection method: clinical testing. Allele origin: germline.
Comment: This sequence change replaces lysine, which is basic and polar, with glutamine, which is neutral and polar, at codon 246 of the SCN3A protein (p.Lys246Gln). This variant is not present in population databases (gnomAD no frequency). This variant has not been reported in the literature in individuals affected with SCN3A-related conditions. Advanced modeling of protein sequence and biophysical properties (such as structural, functional, and spatial information, amino acid conservation, physicochemical variation, residue mobility, and thermodynamic stability) has been performed at Invitae for this missense variant, however the output from this modeling did not meet the statistical confidence thresholds required to predict the impact of this variant on SCN3A protein function. In summary, the available evidence is currently insufficient to determine the role of this variant in disease. Therefore, it has been classified as a Variant of Uncertain Significance.